The following is an entry in ClinVar:

NC_000002.11:g.(?_227659726)_(227927334_?)del

Genes: COL4A4 (collagen type IV alpha 4 chain; minus strand), IRS1 (insulin receptor substrate 1; minus strand), RHBDD1 (rhomboid domain containing 1; plus strand). Cytogenetic location: 2q36.3.
Variant type: Deletion.
Identifiers: ClinVar variation 1429511 (VCV001429511.6).

ClinVar aggregate classification (germline): Pathogenic (1 of 4 stars; one submission).

Submission:

Labcorp Genetics (formerly Invitae), Labcorp
Classification: Pathogenic. Last evaluated: 2021-06-24. Review status: criteria provided, single submitter. Criteria: Invitae Variant Classification Sherloc (09022015). Collection method: clinical testing. Allele origin: germline.
Comment: For these reasons, this variant has been classified as Pathogenic. This variant disrupts the C-terminus of the COL4A4 protein. Other variant(s) that disrupt this region (p.Arg1682Glyfs*6) have been determined to be pathogenic (Invitae). This suggests that variants that disrupt this region of the protein are likely to be causative of disease. This variant has not been reported in the literature in individuals with COL4A4-related conditions. This variant is a gross deletion of the genomic region encompassing exon(s) 26-48 of the COL4A4 gene. The 5' boundary is likely confined to intron 25. The 3' end of this event is unknown as it extends through the termination codon beyond the assayed region for this gene and may encompass additional genes. While this deletion is not anticipated to lead to nonsense mediated decay, it is expected to alter mRNA translation or result in a truncated protein product.